The following is an entry in ClinVar:

ClinVar aggregate classification (germline): Uncertain significance (1 of 4 stars; one submission).

Conditions:
Arrhythmogenic cardiomyopathy with wooly hair and keratoderma. Also called: Carvajal syndrome; PALMOPLANTAR KERATODERMA WITH LEFT VENTRICULAR CARDIOMYOPATHY AND WOOLLY HAIR; Dilated cardiomyopathy with woolly hair and keratoderma; Arrhythmogenic cardiomyopathy with woolly hair and keratoderma. Identifiers: Orphanet 65282, MedGen C1854063, MONDO:0011581, OMIM 605676.

Submission:

All of Us Research Program, National Institutes of Health
Classification: Uncertain significance for Arrhythmogenic cardiomyopathy with wooly hair and keratoderma. Last evaluated: 2024-07-29. Review status: criteria provided, single submitter. Criteria: ACMG Guidelines, 2015. Collection method: clinical testing. Allele origin: germline. Inheritance: Autosomal dominant inheritance. Observed: 1 variant allele, 1 heterozygote.
Comment: This missense variant replaces glutamine with histidine at codon 2762 of the DSP protein. Computational prediction suggests that this variant may not impact protein structure and function (internally defined REVEL score threshold <= 0.5, PMID: 27666373). To our knowledge, functional studies have not been reported for this variant. This variant has not been reported in individuals affected with DSP-related disorders in the literature. This variant has not been identified in the general population by the Genome Aggregation Database (gnomAD). The available evidence is insufficient to determine the role of this variant in disease conclusively. Therefore, this variant is classified as a Variant of Uncertain Significance.

This study involves interpretation of variants in research participants for the purpose of population health screening. Participant phenotype was not available at the time of variant classification. Additional details can be found in publication PMID: 35346344, PMCID: PMC8962531

NM_004415.4(DSP):c.8286G>C (p.Gln2762His)

Gene: DSP (desmoplakin; plus strand). Cytogenetic location: 6p24.3.
Variant type: single nucleotide variant.
Coding change: c.8286G>C on transcript NM_004415.4 (MANE Select); coding-DNA position 8286, G replaced by C.
Protein change: p.Gln2762His; replaces glutamine 2762 with histidine.
Molecular consequence: missense variant.
Genome position (GRCh38, 1-based): chr6:7,585,548, G>C. VCF-style: chr6-7585548-G-C. GRCh37 (hg19) VCF-style: chr6-7585781-G-C.
Other names: c.6489G>C, p.Gln2163His (NM_001008844.3); c.6957G>C, p.Gln2319His (NM_001319034.2); short protein forms Q2163H, Q2319H, Q2762H.
Identifiers: ClinVar variation 3386734 (VCV003386734.1).